The following is an entry in ClinVar:

ClinVar aggregate classification (germline): Benign (0 of 4 stars; one submission).

Conditions:
LRPAP1-related disorder. Also called: LRPAP1-related condition.

gnomAD v4.1: 36,205 of 1,614,136 alleles (2.2%); highest among the groups gnomAD compares: Middle Eastern, 7.2%; 570 homozygotes.

Submission:

PreventionGenetics, part of Exact Sciences
Classification: Benign for LRPAP1-related condition. Last evaluated: 2024-09-27. Review status: no assertion criteria provided. Collection method: clinical testing. Allele origin: germline.
Comment: This variant is classified as benign based on ACMG/AMP sequence variant interpretation guidelines (Richards et al. 2015 PMID: 25741868, with internal and published modifications).

NM_002337.4(LRPAP1):c.341A>G (p.Asn114Ser)

Gene: LRPAP1 (LDL receptor related protein associated protein 1; minus strand). Cytogenetic location: 4p16.3.
Variant type: single nucleotide variant.
Coding change: c.341A>G on transcript NM_002337.4 (MANE Select); coding-DNA position 341, A replaced by G.
Protein change: p.Asn114Ser; replaces asparagine 114 with serine.
Molecular consequence: missense variant. On other transcripts: non-coding transcript variant (1).
Genome position (GRCh38, 1-based): chr4:3,524,915, T>C on the plus strand (A>G on the coding strand, the complement: LRPAP1 is on the minus strand). VCF-style: chr4-3524915-T-C. GRCh37 (hg19) VCF-style: chr4-3526642-T-C.
Other names: short protein forms N114S.
Identifiers: ClinVar variation 3347535 (VCV003347535.1).